The following is an entry in ClinVar:

NM_007294.4(BRCA1):c.5108A>G (p.Tyr1703Cys)

Gene: BRCA1 (BRCA1 DNA repair associated; minus strand). Cytogenetic location: 17q21.31.
Variant type: single nucleotide variant.
Coding change: c.5108A>G on transcript NM_007294.4 (MANE Select); coding-DNA position 5108, A replaced by G.
Protein change: p.Tyr1703Cys; replaces tyrosine 1703 with cysteine.
Molecular consequence: missense variant. On other transcripts: non-coding transcript variant (1).
Genome position (GRCh38, 1-based): chr17:43,063,918, T>C on the plus strand (A>G on the coding strand, the complement: BRCA1 is on the minus strand). VCF-style: chr17-43063918-T-C. GRCh37 (hg19) VCF-style: chr17-41215935-T-C.
Other names: NM_007294.4(BRCA1):c.5108A>G; p.Tyr1703Cys; c.4895A>G, p.Tyr1632Cys (NM_001407571.1, NM_001407894.1, NM_001407895.1 and 12 more transcripts); c.5174A>G, p.Tyr1725Cys (NM_001407581.1, NM_001407582.1); c.5171A>G, p.Tyr1724Cys (NM_001407583.1, NM_001407585.1, NM_001407587.1 and 1 more transcripts); c.5168A>G, p.Tyr1723Cys (NM_001407590.1, NM_001407591.1); c.5108A>G, p.Tyr1703Cys (NM_001407593.1, NM_001407594.1, NM_001407596.1 and 7 more transcripts); c.5105A>G, p.Tyr1702Cys (NM_001407615.1, NM_001407616.1, NM_001407617.1 and 17 more transcripts); and 73 more; short protein forms Y1703C, Y1656C, Y599C, Y1724C, Y1407C, Y1534C, Y1592C, Y1631C.
Identifiers: ClinVar variation 232915 (VCV000232915.24), dbSNP rs876660071, ClinGen allele CA10580499.
Genomic context (GRCh38, chr17:43,063,918, plus strand): 5'-ATAGTATTATACTTACAGAAATAGCTAACTACCCATTTTCCTCCCGCAATTCCTAGAAAA[T>C]ATTTCAGTGTCCGTTCACACACAAACTCAGCATCTGCAGAATGAAAAACACTCAAAGGAT-3'
Protein context (NP_009225.1, residues 1693-1713): AEFVCERTLK[Tyr1703Cys]FLGIAGGKWV

ClinVar aggregate classification (germline): Likely pathogenic. Review status: reviewed by expert panel (3 of 4 stars). 9 submissions from 9 submitters: Likely pathogenic (1). 8 of the submissions do not count toward it. Last evaluated 2025-12-02.

Conditions:
Hereditary cancer-predisposing syndrome. Also called: Tumor predisposition; Hereditary Cancer Syndrome; Neoplastic Syndromes, Hereditary; Hereditary neoplastic syndrome. Identifiers: Orphanet 140162, MedGen C0027672, MeSH D009386, MONDO:0015356.
Hereditary breast ovarian cancer syndrome. Also called: Breast and ovarian cancer; Hereditary breast and ovarian cancer; Hereditary breast and ovarian cancer syndrome; Hereditary breast and/or ovarian cancer syndrome; BRCA1- and BRCA2-Associated Hereditary Breast and Ovarian Cancer; Hereditary breast and ovarian cancer syndrome (HBOC). Identifiers: Orphanet 145, MedGen C0677776, MeSH D061325, MONDO:0003582. Disease mechanism: loss of function.
Breast-ovarian cancer, familial, susceptibility to, 1 (BROVCA1). Also called: BRCA1 Hereditary Breast and Ovarian Cancer; OVARIAN CANCER, SUSCEPTIBILITY TO. Identifiers: Orphanet 145, MedGen C2676676, MONDO:0011450, OMIM 604370. Disease mechanism: loss of function.
Fanconi anemia, complementation group S (FANCS). Identifiers: MedGen C4554406, MONDO:0054748, OMIM 617883.
BRCA1-related cancer predisposition. Identifiers: MedGen CN377757, MONDO:0700268.

Submissions 1 to 7 of 10:

ClinGen ENIGMA BRCA1 and BRCA2 Variant Curation Expert Panel, ClinGen
Classification: Likely pathogenic for BRCA1-related cancer predisposition. Last evaluated: 2025-12-02. Review status: reviewed by expert panel. Criteria: CSpec BRCA12ACMG Rules Specifications V1.1. Collection method: curation. Allele origin: germline. Inheritance: Autosomal dominant inheritance.
Comment: The c.5108A>G variant in BRCA1 is a missense variant predicted to cause substitution of Tyr by Cys at amino acid 1703 (p.(Tyr1703Cys)). Reported by one calibrated study to affect protein function similar to pathogenic control variants (PMID:30209399) (PS3 met). This BRCA1 missense variant is within a key functional domain and a SpliceAI score of 0.03 predicts no impact on splicing (score threshold ≤0.1). The computational predictor BayesDel (noAF) gives a score of 0.42, above the recommended threshold of 0.28 for prediction of impact on BRCA1 function via protein change (PP3 met). This variant is absent from gnomAD v2.1 (exomes only, non-cancer subset, read depth ≥25) and gnomAD v3.1 (non-cancer subset, read depth ≥25) (PM2_Supporting met). Multifactorial likelihood ratio analysis using clinically calibrated data produced a combined LR for this variant of 1.65 (based on Family History LR=1.65), which is above the ENIGMA BRCA1/2 VCEP threshold for BP5 (>0.48) and below PP4 (<2.08) (BP5 and PP4 not met; PMID: 31853058). In summary, this variant meets the criteria to be classified as a Likely pathogenic variant for BRCA1-related cancer predisposition based on the ACMG/AMP criteria applied as specified by the ENIGMA BRCA1/2 VCEP (PS3, PP3, PM2_Supporting).

Mendelics
Classification: Likely pathogenic for Breast-ovarian cancer, familial, susceptibility to, 1. Last evaluated: 2026-06-20. Review status: criteria provided, single submitter. Criteria: Mendelics Assertion Criteria 2017. Collection method: clinical testing. Allele origin: unknown. Not counted in ClinVar's aggregate classification.
Comment: The heterozygous variant c.5108A>G was identified in the BRCA1 gene, which promotes the substitution of the amino acid tyrosine at codon 1703 for cysteine ​​(p.Tyr1703Cys). It is a rare variant, described in a family with a history of breast and ovarian cancer (PMID 25948282). In addition, another variant at the same codon (reported as Y1703S) has a functional study that demonstrates impaired transcriptional activity of BRCA1 (PMID 23613828). For this reason, the variant found is considered likely pathogenic.

GeneDx
Classification: Likely pathogenic. Last evaluated: 2026-02-21. Review status: criteria provided, single submitter. Criteria: GeneDx Variant Classification Process June 2021. Collection method: clinical testing. Allele origin: germline. Not counted in ClinVar's aggregate classification.
Comment: Reported in association with early onset breast and/or ovarian cancer in the published literature (PMID: 32211327, 29116469, 33758026, 41068641, 25948282); Published functional studies demonstrate a damaging effect on protein function (PMID: 35409408, 33691754, 30209399); In silico analysis supports that this missense variant has a deleterious effect on protein structure/function; Not observed at significant frequency in large population cohorts (gnomAD); Also known as 5227A>G; This variant is associated with the following publications: (PMID: 25948282, 41068641, 25348405, 33691754, 35409408, 30209399, 32211327, 29116469, 33758026, 31853058)

Labcorp Genetics (formerly Invitae), Labcorp
Classification: Likely pathogenic for Hereditary breast ovarian cancer syndrome. Last evaluated: 2025-11-18. Review status: criteria provided, single submitter. Criteria: Invitae Variant Classification Sherloc (09022015). Collection method: clinical testing. Allele origin: germline. Not counted in ClinVar's aggregate classification.
Comment: This sequence change replaces tyrosine, which is neutral and polar, with cysteine, which is neutral and slightly polar, at codon 1703 of the BRCA1 protein (p.Tyr1703Cys). This variant is not present in population databases (gnomAD no frequency). This missense change has been observed in individual(s) with breast and/or ovarian cancer (PMID: 25948282, 32211327, 33758026; internal data). It has also been observed to segregate with disease in related individuals. ClinVar contains an entry for this variant (Variation ID: 232915). Invitae Evidence Modeling incorporating data from in vitro experimental studies (PMID: 30209399) indicates that this missense variant is expected to disrupt BRCA1 function with a positive predictive value of 95%. Experimental studies have shown that this missense change affects BRCA1 function (PMID: 30209399). In summary, the currently available evidence indicates that the variant is pathogenic, but additional data are needed to prove that conclusively. Therefore, this variant has been classified as Likely Pathogenic.

Color Diagnostics, LLC DBA Color Health
Classification: Likely pathogenic for Hereditary cancer-predisposing syndrome. Last evaluated: 2025-10-10. Review status: criteria provided, single submitter. Criteria: ACMG Guidelines, 2015. Collection method: clinical testing. Allele origin: germline. Not counted in ClinVar's aggregate classification.
Comment: This missense variant replaces tyrosine with cysteine at codon 1703 of the BRCA1 protein. Computational prediction suggests that this variant may have deleterious impact on protein structure and function. Functional studies have reported that this variant impacted BRCA1 function in a haploid cell proliferation assay (PMID: 30209399, 33691754). This variant has been reported in two individuals affected with breast cancer (PMID: 29116469, 33758026) and two individuals affected with breast and/or ovarian cancer (PMID: 25948282ClinVar accession number SCV000936360.6). This variant also has been detected in a breast cancer case-control meta-analysis in 1/60466 cases and 0/53461 unaffected individuals (PMID: 33471991Leiden Open Variation Database DB-ID BRCA1_003007), and it has been reported with a likelihood ratio (LR) for pathogenicity based on the personal and family history of one carrier of approximately 1.6450 from the reported log(LR) = 0.2161574066 (PMID: 31853058). This variant also has been observed to segregate with BRCA1-associated cancer phenotype in a carrier family (Communication with an external laboratory). This variant has not been identified in the general population by the Genome Aggregation Database (gnomAD). Based on the available evidence, this variant is classified as Likely Pathogenic.

Ambry Genetics
Classification: Likely pathogenic for Hereditary cancer-predisposing syndrome. Last evaluated: 2025-03-15. Review status: criteria provided, single submitter. Criteria: Ambry Variant Classification Scheme 2023. Collection method: clinical testing. Allele origin: germline. Not counted in ClinVar's aggregate classification.
Comment: The p.Y1703C variant (also known as c.5108A>G), located in coding exon 16 of the BRCA1 gene, results from an A to G substitution at nucleotide position 5108. The tyrosine at codon 1703 is replaced by cysteine, an amino acid with highly dissimilar properties. This alteration has been reported in breast and/or ovarian cancer patients (Kluska A et al. BMC Med Genomics. 2015 May 7;8:19; Brianese RC et al. Breast Cancer Res Treat, 2018 Feb;167:803-814; You Y et al. Front Oncol, 2020 Mar;10:295; Evans DG et al. J Med Genet, 2022 Feb;59:115-121). One study found that this nucleotide substitution is non-functional in a high throughput genome editing haploid cell survival assay (Findlay GM et al. Nature, 2018 10;562:217-222). Based on internal structural analysis, this variant is more disruptive than known pathogenic variants (Ambry internal data; Quiles F et al. PLoS ONE, 2013 Apr;8:e61302; Tischkowitz M et al. Eur. J. Hum. Genet., 2008 Jul;16:820-32). This amino acid position is highly conserved in available vertebrate species. In addition, this alteration is predicted to be deleterious by in silico analysis. Based on the majority of available evidence to date, this variant is likely to be pathogenic.

Baylor Genetics
Classification: Likely pathogenic for Breast-ovarian cancer, familial, susceptibility to, 1. Last evaluated: 2024-01-08. Review status: criteria provided, single submitter. Criteria: ACMG Guidelines, 2015. Collection method: clinical testing. Allele origin: unknown. Not counted in ClinVar's aggregate classification.